The following is an entry in ClinVar:

NC_000003.11:g.(?_186256465)_(187009440_?)del

Genes: ADIPOQ (adiponectin, C1Q and collagen domain containing; plus strand), AHSG (alpha 2-HS glycoprotein; plus strand), CRYGS (crystallin gamma S; minus strand), DNAJB11 (DnaJ heat shock protein family (Hsp40) member B11; plus strand), EIF4A2 (eukaryotic translation initiation factor 4A2; plus strand) and 11 more. Cytogenetic location: 3q27.3.
Variant type: Deletion.
Identifiers: ClinVar variation 832891 (VCV000832891.1).

ClinVar aggregate classification (germline): Pathogenic (1 of 4 stars; one submission).

Conditions:
3MC syndrome 1. Also called: MICHELS SYNDROME; CRANIOSYNOSTOSIS WITH LID ANOMALIES; OCULOPALATOSKELETAL SYNDROME. Identifiers: Orphanet 293843, MedGen C0796059, MONDO:0009770, OMIM 257920.

Submission:

Labcorp Genetics (formerly Invitae), Labcorp
Classification: Pathogenic for Michels syndrome. Last evaluated: 2019-07-15. Review status: criteria provided, single submitter. Criteria: Invitae Variant Classification Sherloc (09022015). Collection method: clinical testing. Allele origin: germline.
Comment: A gross deletion of the genomic region encompassing the full coding sequence of the MASP1 gene has been identified. The boundaries of this event are unknown as the deletion extends beyond the assayed region for this gene and therefore may encompass additional genes. This variant has not been reported in the literature in individuals with MASP1-related conditions. Loss-of-function variants in MASP1 are known to be pathogenic (PMID: 21035106, 26789649). For these reasons, this variant has been classified as Pathogenic.